The following is an entry in ClinVar:

ClinVar aggregate classification (germline): Likely benign. Review status: criteria provided, multiple submitters, no conflicts (2 of 4 stars). 4 submissions from 4 submitters: Likely benign (4). Last evaluated 2026-02-01.

Conditions:
Inborn genetic diseases. Identifiers: MedGen C0950123, MeSH D030342.
Dextro-looped transposition of the great arteries. Also called: Dextrotransposition of the great arteries. Identifiers: Orphanet 860, MedGen C3531771, MONDO:0019443, OMIM 608808, HP:0031348.

Allele frequency attached by ClinVar (database versions not stated): gnomAD exomes 0.00001 and 0.00002; ExAC 0.00003; TOPMed 0.00009; gnomAD 0.00010 and 0.00011.
gnomAD v4.1: 26 of 1,604,864 alleles (0.0016%); highest among the groups gnomAD compares: African/African-American, 0.029%; no homozygotes.

Submissions (4):

CeGaT Center for Human Genetics Tuebingen
Classification: Likely benign. Last evaluated: 2026-02-01. Review status: criteria provided, single submitter. Criteria: CeGaT Center For Human Genetics Tuebingen Variant Classification Criteria Version 2. Collection method: clinical testing. Allele origin: germline. Affected: yes. Observed: 1 variant allele.
Comment: MED13L: BP4, BS2

Labcorp Genetics (formerly Invitae), Labcorp
Classification: Likely benign for Dextro-looped transposition of the great arteries. Last evaluated: 2025-06-15. Review status: criteria provided, single submitter. Criteria: Invitae Variant Classification Sherloc (09022015). Collection method: clinical testing. Allele origin: germline.

Ambry Genetics
Classification: Likely benign for Inborn genetic diseases. Last evaluated: 2024-06-28. Review status: criteria provided, single submitter. Criteria: Ambry Variant Classification Scheme 2023. Collection method: clinical testing. Allele origin: germline.

GeneDx
Classification: Likely benign. Last evaluated: 2021-04-12. Review status: criteria provided, single submitter. Criteria: GeneDx Variant Classification Process June 2021. Collection method: clinical testing. Allele origin: germline. Affected: yes.

NM_015335.5(MED13L):c.3079G>A (p.Ala1027Thr)

Gene: MED13L (mediator complex subunit 13L; minus strand). Cytogenetic location: 12q24.21.
Variant type: single nucleotide variant.
Coding change: c.3079G>A on transcript NM_015335.5 (MANE Select); coding-DNA position 3079, G replaced by A.
Protein change: p.Ala1027Thr; replaces alanine 1027 with threonine.
Molecular consequence: missense variant.
Genome position (GRCh38, 1-based): chr12:115,991,875, C>T on the plus strand (G>A on the coding strand, the complement: MED13L is on the minus strand). VCF-style: chr12-115991875-C-T. GRCh37 (hg19) VCF-style: chr12-116429680-C-T.
Other names: short protein forms A1027T.
Identifiers: ClinVar variation 1207334 (VCV001207334.11), dbSNP rs757625355, ClinGen allele CA6811026.